The following is an entry in ClinVar:

NM_000443.4(ABCB4):c.875A>G (p.Lys292Arg)

Gene: ABCB4 (ATP binding cassette subfamily B member 4; minus strand). Cytogenetic location: 7q21.12.
Variant type: single nucleotide variant.
Coding change: c.875A>G on transcript NM_000443.4 (MANE Select); coding-DNA position 875, A replaced by G.
Protein change: p.Lys292Arg; replaces lysine 292 with arginine.
Molecular consequence: missense variant.
Genome position (GRCh38, 1-based): chr7:87,447,164, T>C on the plus strand (A>G on the coding strand, the complement: ABCB4 is on the minus strand). VCF-style: chr7-87447164-T-C. GRCh37 (hg19) VCF-style: chr7-87076480-T-C.
Other names: c.875A>G, p.Lys292Arg (NM_018849.3, NM_018850.3); short protein forms K292R.
Identifiers: ClinVar variation 1723521 (VCV001723521.2), dbSNP rs201286053, ClinGen allele CA4327431.

ClinVar aggregate classification (germline): Uncertain significance (1 of 4 stars; one submission).

Allele frequency attached by ClinVar (database versions not stated): ExAC 0.00002; gnomAD 0.00003; TOPMed 0.00004; ESP Exome Variant Server 0.00008.
gnomAD v4.1: 12 of 1,613,898 alleles (0.00074%); highest among the groups gnomAD compares: African/African-American, 0.0013%; no homozygotes.

Submission:

GeneDx
Classification: Uncertain significance. Last evaluated: 2022-05-09. Review status: criteria provided, single submitter. Criteria: GeneDx Variant Classification Process June 2021. Collection method: clinical testing. Allele origin: germline. Affected: yes.
Comment: Not observed at significant frequency in large population cohorts (gnomAD); In silico analysis supports that this missense variant does not alter protein structure/function; Has not been previously published as pathogenic or benign to our knowledge